The following is an entry in ClinVar:

NM_000122.2(ERCC3):c.2336G>A (p.Arg779His)

Gene: ERCC3 (ERCC excision repair 3, TFIIH core complex helicase subunit; minus strand). Cytogenetic location: 2q14.3.
Variant type: single nucleotide variant.
Coding change: c.2336G>A on transcript NM_000122.2 (MANE Select); coding-DNA position 2336, G replaced by A.
Protein change: p.Arg779His; replaces arginine 779 with histidine.
Molecular consequence: missense variant.
Genome position (GRCh38, 1-based): chr2:127,257,609, C>T on the plus strand (G>A on the coding strand, the complement: ERCC3 is on the minus strand). VCF-style: chr2-127257609-C-T. GRCh37 (hg19) VCF-style: chr2-128015185-C-T.
Other names: c.2144G>A, p.Arg715His (NM_001303416.2, NM_001303418.2); short protein forms R715H, R779H.
Identifiers: ClinVar variation 2083774 (VCV002083774.2), dbSNP rs146427260, ClinGen allele CA1858004.

ClinVar aggregate classification (germline): Uncertain significance (1 of 4 stars; one submission).

Allele frequency attached by ClinVar (database versions not stated): TOPMed below 0.00001; gnomAD 0.00001; gnomAD exomes 0.00001; ExAC 0.00002; ESP Exome Variant Server 0.00008.
gnomAD v4.1: 10 of 1,613,884 alleles (0.00062%); highest among the groups gnomAD compares: Middle Eastern, 0.017%; no homozygotes.

Submission:

Labcorp Genetics (formerly Invitae), Labcorp
Classification: Uncertain significance. Last evaluated: 2021-11-26. Review status: criteria provided, single submitter. Criteria: Invitae Variant Classification Sherloc (09022015). Collection method: clinical testing. Allele origin: germline.
Comment: Algorithms developed to predict the effect of missense changes on protein structure and function are either unavailable or do not agree on the potential impact of this missense change (SIFT: "Deleterious"; PolyPhen-2: "Possibly Damaging"; Align-GVGD: "Class C0"). This variant has not been reported in the literature in individuals affected with ERCC3-related conditions. This variant is present in population databases (rs146427260, gnomAD 0.01%). This sequence change replaces arginine, which is basic and polar, with histidine, which is basic and polar, at codon 779 of the ERCC3 protein (p.Arg779His). In summary, the available evidence is currently insufficient to determine the role of this variant in disease. Therefore, it has been classified as a Variant of Uncertain Significance.